The following is an entry in ClinVar:

NM_001752.4(CAT):c.546C>T (p.Val182=)

Gene: CAT (catalase; plus strand). Cytogenetic location: 11p13.
Variant type: single nucleotide variant.
Coding change: c.546C>T on transcript NM_001752.4 (MANE Select); coding-DNA position 546, C replaced by T.
Protein change: p.Val182=; no amino-acid change (valine 182 retained).
Molecular consequence: synonymous variant.
Genome position (GRCh38, 1-based): chr11:34,453,155, C>T. VCF-style: chr11-34453155-C-T. GRCh37 (hg19) VCF-style: chr11-34474702-C-T.
Identifiers: ClinVar variation 4873299 (VCV004873299.2).

ClinVar aggregate classification (germline): Likely benign (1 of 4 stars; one submission).

gnomAD v4.1: 13 of 1,613,286 alleles (0.00081%); highest among the groups gnomAD compares: African/African-American, 0.016%; no homozygotes.

Submission:

CeGaT Center for Human Genetics Tuebingen
Classification: Likely benign. Last evaluated: 2026-06-01. Review status: criteria provided, single submitter. Criteria: CeGaT Center For Human Genetics Tuebingen Variant Classification Criteria Version 2. Collection method: clinical testing. Allele origin: germline. Affected: yes. Observed: 1 variant allele.
Comment: CAT: BP4, BP7